The following is an entry in ClinVar:

ClinVar aggregate classification (germline): Uncertain significance. Review status: criteria provided, multiple submitters, no conflicts (2 of 4 stars). 2 submissions from 2 submitters: Uncertain significance (2). Last evaluated 2025-10-02.

Conditions:
Hereditary pancreatitis (PCTT). Also called: PRSS1-Related Hereditary Pancreatitis; Hereditary chronic pancreatitis. Identifiers: Orphanet 676, MedGen C0238339, MONDO:0008185, OMIM 167800.

Submissions (2):

Labcorp Genetics (formerly Invitae), Labcorp
Classification: Uncertain significance for Hereditary pancreatitis. Last evaluated: 2025-10-02. Review status: criteria provided, single submitter. Criteria: Invitae Variant Classification Sherloc (09022015). Collection method: clinical testing. Allele origin: germline.
Comment: This sequence change replaces glycine, which is neutral and non-polar, with valine, which is neutral and non-polar, at codon 62 of the PRSS1 protein (p.Gly62Val). This variant is not present in population databases (gnomAD no frequency). This variant has not been reported in the literature in individuals affected with PRSS1-related conditions. ClinVar contains an entry for this variant (Variation ID: 1719818). Invitae Evidence Modeling of protein sequence and biophysical properties (such as structural, functional, and spatial information, amino acid conservation, physicochemical variation, residue mobility, and thermodynamic stability) indicates that this missense variant is not expected to disrupt PRSS1 protein function with a negative predictive value of 80%. In summary, the available evidence is currently insufficient to determine the role of this variant in disease. Therefore, it has been classified as a Variant of Uncertain Significance.

Ambry Genetics
Classification: Uncertain significance for Hereditary pancreatitis. Last evaluated: 2024-10-13. Review status: criteria provided, single submitter. Criteria: Ambry Variant Classification Scheme 2023. Collection method: clinical testing. Allele origin: germline.
Comment: The p.G62V variant (also known as c.185G>T), located in coding exon 2 of the PRSS1 gene, results from a G to T substitution at nucleotide position 185. The glycine at codon 62 is replaced by valine, an amino acid with dissimilar properties. This amino acid position is conserved. In addition, the in silico prediction for this alteration is inconclusive. Based on the available evidence, the clinical significance of this variant remains unclear.

NM_002769.5(PRSS1):c.185G>T (p.Gly62Val)

Genes: PRSS1 (serine protease 1; plus strand), TRB (T cell receptor beta locus; plus strand). Cytogenetic location: 7q34.
Variant type: single nucleotide variant.
Coding change: c.185G>T on transcript NM_002769.5 (MANE Select); coding-DNA position 185, G replaced by T.
Protein change: p.Gly62Val; replaces glycine 62 with valine.
Molecular consequence: missense variant. On other transcripts: non-coding transcript variant (2).
Genome position (GRCh38, 1-based): chr7:142,750,699, G>T. VCF-style: chr7-142750699-G-T. GRCh37 (hg19) VCF-style: chr7-142458550-G-T.
Other names: c.185G>T (NM_002769.4); short protein forms G62V.
Identifiers: ClinVar variation 1719818 (VCV001719818.6), dbSNP rs149455681, ClinGen allele CA369607546.